The following is an entry in ClinVar:

ClinVar aggregate classification (germline): Uncertain significance. Review status: criteria provided, multiple submitters, no conflicts (2 of 4 stars). 2 submissions from 2 submitters: Uncertain significance (2). Last evaluated 2025-11-13.

Conditions:
Inborn genetic diseases. Identifiers: MedGen C0950123, MeSH D030342.
Familial cold autoinflammatory syndrome 2 (FCAS2). Identifiers: Orphanet 247868, MedGen C2673198, MONDO:0012724, OMIM 611762.

Allele frequency attached by ClinVar (database versions not stated): gnomAD 0.00001; gnomAD exomes 0.00001; TOPMed 0.00003; ESP Exome Variant Server 0.00008.
gnomAD v4.1: 12 of 1,613,944 alleles (0.00074%); highest among the groups gnomAD compares: African/African-American, 0.0027%; no homozygotes.

Submissions (2):

Labcorp Genetics (formerly Invitae), Labcorp
Classification: Uncertain significance for Familial cold autoinflammatory syndrome 2. Last evaluated: 2025-11-13. Review status: criteria provided, single submitter. Criteria: Invitae Variant Classification Sherloc (09022015). Collection method: clinical testing. Allele origin: germline.
Comment: This sequence change replaces glycine, which is neutral and non-polar, with serine, which is neutral and polar, at codon 781 of the NLRP12 protein (p.Gly781Ser). This variant is not present in population databases (gnomAD no frequency). This variant has not been reported in the literature in individuals affected with NLRP12-related conditions. ClinVar contains an entry for this variant (Variation ID: 639279). An algorithm developed to predict the effect of missense changes on protein structure and function outputs the following: PolyPhen-2: "Benign". The serine amino acid residue is found in multiple mammalian species, which suggests that this missense change does not adversely affect protein function. In summary, the available evidence is currently insufficient to determine the role of this variant in disease. Therefore, it has been classified as a Variant of Uncertain Significance.

Ambry Genetics
Classification: Uncertain significance for Inborn genetic diseases. Last evaluated: 2025-04-29. Review status: criteria provided, single submitter. Criteria: Ambry Variant Classification Scheme 2023. Collection method: clinical testing. Allele origin: germline.

NM_144687.4(NLRP12):c.2341G>A (p.Gly781Ser)

Gene: NLRP12 (NLR family pyrin domain containing 12; minus strand). Cytogenetic location: 19q13.42.
Variant type: single nucleotide variant.
Coding change: c.2341G>A on transcript NM_144687.4 (MANE Select); coding-DNA position 2341, G replaced by A.
Protein change: p.Gly781Ser; replaces glycine 781 with serine.
Molecular consequence: missense variant.
Genome position (GRCh38, 1-based): chr19:53,805,353, C>T on the plus strand (G>A on the coding strand, the complement: NLRP12 is on the minus strand). VCF-style: chr19-53805353-C-T. GRCh37 (hg19) VCF-style: chr19-54308607-C-T.
Other names: c.2344G>A, p.Gly782Ser (NM_001277126.2); c.2341G>A, p.Gly781Ser (NM_001277129.1); c.2341G>A (NM_144687.2); short protein forms G782S, G781S.
Identifiers: ClinVar variation 639279 (VCV000639279.7), dbSNP rs376676387, ClinGen allele CA310065625.